The following is an entry in ClinVar:

ClinVar aggregate classification (germline): Uncertain significance (1 of 4 stars; one submission).

Submission:

CeGaT Center for Human Genetics Tuebingen
Classification: Uncertain significance. Last evaluated: 2022-03-01. Review status: criteria provided, single submitter. Criteria: CeGaT Center For Human Genetics Tuebingen Variant Classification Criteria Version 2. Collection method: clinical testing. Allele origin: germline. Affected: yes. Observed: 1 variant allele.
Comment: PIK3CD: PM2, PP2

NM_005026.5(PIK3CD):c.1721T>C (p.Leu574Pro)

Gene: PIK3CD (phosphatidylinositol-4,5-bisphosphate 3-kinase catalytic subunit delta; plus strand). Cytogenetic location: 1p36.22.
Variant type: single nucleotide variant.
Coding change: c.1721T>C on transcript NM_005026.5 (MANE Select); coding-DNA position 1721, T replaced by C.
Protein change: p.Leu574Pro; replaces leucine 574 with proline.
Molecular consequence: missense variant.
Genome position (GRCh38, 1-based): chr1:9,721,158, T>C. VCF-style: chr1-9721158-T-C. GRCh37 (hg19) VCF-style: chr1-9781216-T-C.
Other names: c.1718T>C, p.Leu573Pro (NM_001350234.2); c.1634T>C, p.Leu545Pro (NM_001350235.1); short protein forms L545P, L573P, L574P.
Identifiers: ClinVar variation 1675343 (VCV001675343.33), dbSNP rs2100962426, ClinGen allele CA338304164.